The following is an entry in ClinVar:

ClinVar aggregate classification (germline): Pathogenic (1 of 4 stars; one submission).

Conditions:
Kabuki syndrome. Also called: NIIKAWA-KUROKI SYNDROME; Kabuki make-up syndrome. Identifiers: Orphanet 2322, MedGen C0796004, MONDO:0016512.

Submission:

Labcorp Genetics (formerly Invitae), Labcorp
Classification: Pathogenic for Kabuki syndrome. Last evaluated: 2025-09-22. Review status: criteria provided, single submitter. Criteria: Invitae Variant Classification Sherloc (09022015). Collection method: clinical testing. Allele origin: germline.
Comment: This sequence change creates a premature translational stop signal (p.Arg755Ilefs*134) in the KMT2D gene. It is expected to result in an absent or disrupted protein product. Loss-of-function variants in KMT2D are known to be pathogenic (PMID: 22126750). This variant is not present in population databases (gnomAD no frequency). This variant has not been reported in the literature in individuals affected with KMT2D-related conditions. For these reasons, this variant has been classified as Pathogenic.

Literature cited by the submitters: PubMed 22126750.

NM_003482.4(KMT2D):c.2263_2386del (p.Arg755fs)

Gene: KMT2D (lysine methyltransferase 2D; minus strand). Cytogenetic location: 12q13.12.
Variant type: Deletion.
Coding change: c.2263_2386del on transcript NM_003482.4 (MANE Select); coding-DNA positions 2263 to 2386, 124 bases deleted.
Protein change: p.Arg755fs; shifts the reading frame from arginine 755.
Molecular consequence: frameshift variant.
Genome position (GRCh38, 1-based): chr12:49,051,297-49,051,420, 124 bases deleted. GRCh37 (hg19): chr12:49,445,081-49,445,204.
Other names: short protein forms R755fs.
Identifiers: ClinVar variation 4727650 (VCV004727650.1).